The following is an entry in ClinVar:

ClinVar aggregate classification (germline): Likely benign. Review status: criteria provided, multiple submitters, no conflicts (2 of 4 stars). 2 submissions from 2 submitters: Likely benign (2). Last evaluated 2026-08-11.

Conditions:
BDNF-related disorder. Also called: BDNF-related condition.

gnomAD v4.1: 1,483 of 1,610,766 alleles (0.092%); highest among the groups gnomAD compares: Admixed American, 0.12%; 1 homozygote.

Submissions (2):

PreventionGenetics, part of Exact Sciences
Classification: Likely benign for BDNF-related condition. Last evaluated: 2026-08-11. Review status: criteria provided, single submitter. Criteria: ACMG Guidelines, 2015. Collection method: clinical testing. Allele origin: germline.
Comment: This variant is classified as likely benign based on ACMG/AMP sequence variant interpretation guidelines (Richards et al. 2015 PMID: 25741868, with internal and published modifications).

Blueprint Genetics
Classification: Likely benign. Last evaluated: 2024-11-19. Review status: criteria provided, single submitter. Criteria: ACMG Guidelines, 2015. Collection method: clinical testing. Allele origin: germline.

NM_001709.5(BDNF):c.-21-15580C>T

Genes: BDNF (brain derived neurotrophic factor; minus strand), BDNF-AS (BDNF antisense RNA; plus strand). Cytogenetic location: 11p14.1.
Variant type: single nucleotide variant.
Coding change: c.-21-15580C>T on transcript NM_001709.5 (MANE Select); 15580 bases into the intron before 21 bases upstream of the start codon, C replaced by T.
Molecular consequence: intron variant. On other transcripts: synonymous variant (1), 5 prime UTR variant (1).
Genome position (GRCh38, 1-based): chr11:27,674,165, G>A on the plus strand (C>T on the coding strand, the complement: BDNF is on the minus strand). VCF-style: chr11-27674165-G-A. GRCh37 (hg19) VCF-style: chr11-27695712-G-A.
Other names: c.120C>T (NM_001143810.1); c.120C>T, p.His40= (NM_001143810.2); c.-244C>T (NM_001143811.2); c.4-15580C>T (NM_170731.5); c.-21-15580C>T (NM_001143805.1, NM_001143806.1, NM_170732.4 and 5 more transcripts); c.67-15580C>T (NM_001143809.2); c.-128-15239C>T (NM_001143814.2); c.25-15580C>T (NM_170734.4).
Identifiers: ClinVar variation 4911100 (VCV004911100.2).